The following is an entry in ClinVar:

NM_001048174.2(MUTYH):c.1510T>G (p.Phe504Val)

Gene: MUTYH (mutY DNA glycosylase; minus strand). Cytogenetic location: 1p34.1.
Variant type: single nucleotide variant.
Coding change: c.1510T>G on transcript NM_001048174.2 (MANE Select); coding-DNA position 1510, T replaced by G.
Protein change: p.Phe504Val; replaces phenylalanine 504 with valine.
Molecular consequence: missense variant. On other transcripts: non-coding transcript variant (7).
Genome position (GRCh38, 1-based): chr1:45,329,362, A>C on the plus strand (T>G on the coding strand, the complement: MUTYH is on the minus strand). VCF-style: chr1-45329362-A-C. GRCh37 (hg19) VCF-style: chr1-45795034-A-C.
Other names: c.1510T>G, p.Phe504Val (NM_001048171.2, NM_001048173.2, NM_001407070.1 and 6 more transcripts); c.1513T>G, p.Phe505Val (NM_001048172.2, NM_001407071.1, NM_001407078.1 and 1 more transcripts); c.1426T>G, p.Phe476Val (NM_001407075.1); c.1543T>G, p.Phe515Val (NM_001407077.1, NM_001293191.2, NM_001407069.1); c.1471T>G, p.Phe491Val (NM_001407079.1); c.1468T>G, p.Phe490Val (NM_001407080.1); c.1594T>G, p.Phe532Val (NM_001128425.2); c.1555T>G, p.Phe519Val (NM_001293190.2); and 5 more; short protein forms F532V, F389V, F490V, F491V, F505V, F511V, F412V, F504V.
Identifiers: ClinVar variation 4113415 (VCV004113415.1).

ClinVar aggregate classification (germline): Uncertain significance (1 of 4 stars; one submission).

Conditions:
Hereditary cancer-predisposing syndrome. Also called: Tumor predisposition; Neoplastic Syndromes, Hereditary; Hereditary neoplastic syndrome; Hereditary Cancer Syndrome. Identifiers: Orphanet 140162, MedGen C0027672, MeSH D009386, MONDO:0015356.

Submission:

Ambry Genetics
Classification: Uncertain significance for Hereditary cancer-predisposing syndrome. Last evaluated: 2025-08-27. Review status: criteria provided, single submitter. Criteria: Ambry Variant Classification Scheme 2023. Collection method: clinical testing. Allele origin: germline.
Comment: The p.F532V variant (also known as c.1594T>G), located in coding exon 16 of the MUTYH gene, results from a T to G substitution at nucleotide position 1594. The phenylalanine at codon 532 is replaced by valine, an amino acid with highly similar properties. This amino acid position is conserved. In addition, the in silico prediction for this alteration is inconclusive. Based on the available evidence, the clinical significance of this variant remains unclear.